The following is an entry in ClinVar:

NM_015107.3(PHF8):c.912C>T (p.Ser304=)

Gene: PHF8 (PHD finger protein 8; minus strand). Cytogenetic location: Xp11.22.
Variant type: single nucleotide variant.
Coding change: c.912C>T on transcript NM_015107.3 (MANE Select); coding-DNA position 912, C replaced by T.
Protein change: p.Ser304=; no amino-acid change (serine 304 retained).
Molecular consequence: synonymous variant.
Genome position (GRCh38, 1-based): chrX:54,011,156, G>A on the plus strand (C>T on the coding strand, the complement: PHF8 is on the minus strand). VCF-style: chrX-54011156-G-A. GRCh37 (hg19) VCF-style: chrX-54037589-G-A.
Other names: c.1020C>T, p.Ser340= (NM_001184896.1); c.912C>T, p.Ser304= (NM_001184897.2, NM_001184898.2).
Identifiers: ClinVar variation 589586 (VCV000589586.7), dbSNP rs782306751, ClinGen allele CA10423557.

ClinVar aggregate classification (germline): Likely benign. Review status: criteria provided, single submitter (1 of 4 stars). 2 submissions from 2 submitters: Likely benign (1). 1 of the submissions does not count toward it. Last evaluated 2017-05-26.

Conditions:
PHF8-related disorder. Also called: PHF8-related condition.
Inborn genetic diseases. Identifiers: MedGen C0950123, MeSH D030342.

Allele frequency attached by ClinVar (database versions not stated): ExAC 0.00001; gnomAD exomes 0.00002.
gnomAD v4.1: 17 of 1,210,091 alleles (0.0014%); highest among the groups gnomAD compares: Admixed American, 0.013%; no homozygotes.

Submissions (2):

Ambry Genetics
Classification: Likely benign for Inborn genetic diseases. Last evaluated: 2017-05-26. Review status: criteria provided, single submitter. Criteria: Ambry Variant Classification Scheme 2023. Collection method: clinical testing. Allele origin: germline.

PreventionGenetics, part of Exact Sciences
Classification: Likely benign for PHF8-related condition. Last evaluated: 2024-02-15. Review status: no assertion criteria provided. Collection method: clinical testing. Allele origin: germline. Not counted in ClinVar's aggregate classification.
Comment: This variant is classified as likely benign based on ACMG/AMP sequence variant interpretation guidelines (Richards et al. 2015 PMID: 25741868, with internal and published modifications).